The following is an entry in ClinVar:

ClinVar aggregate classification (germline): Likely benign. Review status: criteria provided, multiple submitters, no conflicts (2 of 4 stars). 5 submissions from 5 submitters: Likely benign (4). 1 of the submissions does not count toward it. Last evaluated 2025-12-30.

Conditions:
MCM2-related disorder. Also called: MCM2-related condition.

Allele frequency attached by ClinVar (database versions not stated): ESP Exome Variant Server 0.00008.
gnomAD v4.1: 301 of 1,614,024 alleles (0.019%); highest among the groups gnomAD compares: Middle Eastern, 0.25%; 2 homozygotes.

Submissions (5):

Labcorp Genetics (formerly Invitae), Labcorp
Classification: Likely benign. Last evaluated: 2025-12-30. Review status: criteria provided, single submitter. Criteria: Invitae Variant Classification Sherloc (09022015). Collection method: clinical testing. Allele origin: germline.

Blueprint Genetics
Classification: Likely benign. Last evaluated: 2024-11-01. Review status: criteria provided, single submitter. Criteria: ACMG Guidelines, 2015. Collection method: clinical testing. Allele origin: germline.

GeneDx
Classification: Likely benign. Last evaluated: 2021-01-12. Review status: criteria provided, single submitter. Criteria: GeneDx Variant Classification Process June 2021. Collection method: clinical testing. Allele origin: germline. Affected: yes.

Breakthrough Genomics
Classification: Likely benign. Review status: criteria provided, single submitter. Criteria: ACMG Guidelines, 2015. Collection method: not provided. Allele origin: germline. Inheritance: Autosomal dominant inheritance. Affected: yes.

PreventionGenetics, part of Exact Sciences
Classification: Likely benign for MCM2-related condition. Last evaluated: 2019-06-10. Review status: no assertion criteria provided. Collection method: clinical testing. Allele origin: germline. Not counted in ClinVar's aggregate classification.
Comment: This variant is classified as likely benign based on ACMG/AMP sequence variant interpretation guidelines (Richards et al. 2015 PMID: 25741868, with internal and published modifications).

NM_004526.4(MCM2):c.2127G>A (p.Thr709=)

Gene: MCM2 (minichromosome maintenance complex component 2; plus strand). Cytogenetic location: 3q21.3.
Variant type: single nucleotide variant.
Coding change: c.2127G>A on transcript NM_004526.4 (MANE Select); coding-DNA position 2127, G replaced by A.
Protein change: p.Thr709=; no amino-acid change (threonine 709 retained).
Molecular consequence: synonymous variant. On other transcripts: non-coding transcript variant (1).
Genome position (GRCh38, 1-based): chr3:127,619,140, G>A. VCF-style: chr3-127619140-G-A. GRCh37 (hg19) VCF-style: chr3-127337983-G-A.
Identifiers: ClinVar variation 1317810 (VCV001317810.12), dbSNP rs199907942, ClinGen allele CA2596122.
Genomic context (GRCh38, chr3:127,619,140, plus strand): 5'-CAACAAGGAGGAGGAGGGGCTGGCCAATGGCAGCGCTGCTGAGCCCGCCATGCCCAACAC[G>A]TATGGCGTGGAGCCCCTGCCCCAGGAGGTCCTGAAGAAGTACATCATCTACGCCAAGGAG-3'
Protein context (NP_004517.2, residues 699-719): GSAAEPAMPN[Thr709=]YGVEPLPQEV